The following is an entry in ClinVar:

ClinVar aggregate classification (germline): Uncertain significance (1 of 4 stars; one submission).

Conditions:
Inborn genetic diseases. Identifiers: MedGen C0950123, MeSH D030342.

Submission:

Ambry Genetics
Classification: Uncertain significance for Inborn genetic diseases. Last evaluated: 2024-02-12. Review status: criteria provided, single submitter. Criteria: Ambry Variant Classification Scheme 2023. Collection method: clinical testing. Allele origin: germline.
Comment: The p.V206L variant (also known as c.616G>T), located in coding exon 1 of the SMAD6 gene, results from a G to T substitution at nucleotide position 616. The valine at codon 206 is replaced by leucine, an amino acid with highly similar properties. This amino acid position is conserved. In addition, the in silico prediction for this alteration is inconclusive. Based on the available evidence, the clinical significance of this alteration remains unclear.

NM_005585.5(SMAD6):c.616G>T (p.Val206Leu)

Gene: SMAD6 (SMAD family member 6; plus strand). Cytogenetic location: 15q22.31.
Variant type: single nucleotide variant.
Coding change: c.616G>T on transcript NM_005585.5 (MANE Select); coding-DNA position 616, G replaced by T.
Protein change: p.Val206Leu; replaces valine 206 with leucine.
Molecular consequence: missense variant. On other transcripts: non-coding transcript variant (1).
Genome position (GRCh38, 1-based): chr15:66,703,874, G>T. VCF-style: chr15-66703874-G-T. GRCh37 (hg19) VCF-style: chr15-66996212-G-T.
Other names: short protein forms V206L.
Identifiers: ClinVar variation 3224800 (VCV003224800.1), dbSNP rs1893043122, ClinGen allele CA392949904.